The following is an entry in ClinVar:

ClinVar aggregate classification (germline): Uncertain significance (1 of 4 stars; one submission).

Conditions:
Cataract 38. Also called: Cataract, autosomal recessive congenital 5; Cataract 38, autosomal recessive. Identifiers: Orphanet 91492, MedGen C3553494, MONDO:0013859, OMIM 614691.
Sengers syndrome. Also called: MITOCHONDRIAL DNA DEPLETION SYNDROME 10 (CARDIOMYOPATHIC TYPE); Cardiomyopathy and cataract. Identifiers: Orphanet 1369, MedGen C1859317, MONDO:0008922, OMIM 212350.

Allele frequency attached by ClinVar (database versions not stated): gnomAD 0.00001; TOPMed 0.00002; ExAC 0.00003.
gnomAD v4.1: 42 of 1,612,002 alleles (0.0026%); highest among the groups gnomAD compares: Middle Eastern, 0.016%; no homozygotes.

Submission:

Labcorp Genetics (formerly Invitae), Labcorp
Classification: Uncertain significance for Sengers syndrome; Cataract 38. Last evaluated: 2025-10-02. Review status: criteria provided, single submitter. Criteria: Invitae Variant Classification Sherloc (09022015). Collection method: clinical testing. Allele origin: germline.
Comment: This sequence change replaces isoleucine, which is neutral and non-polar, with valine, which is neutral and non-polar, at codon 97 of the AGK protein (p.Ile97Val). This variant is present in population databases (rs766719681, gnomAD 0.01%). This variant has not been reported in the literature in individuals affected with AGK-related conditions. ClinVar contains an entry for this variant (Variation ID: 2044310). Invitae Evidence Modeling of protein sequence and biophysical properties (such as structural, functional, and spatial information, amino acid conservation, physicochemical variation, residue mobility, and thermodynamic stability) indicates that this missense variant is not expected to disrupt AGK protein function with a negative predictive value of 80%. In summary, the available evidence is currently insufficient to determine the role of this variant in disease. Therefore, it has been classified as a Variant of Uncertain Significance.

NM_018238.4(AGK):c.289A>G (p.Ile97Val)

Gene: AGK (acylglycerol kinase; plus strand). Cytogenetic location: 7q34.
Variant type: single nucleotide variant.
Coding change: c.289A>G on transcript NM_018238.4 (MANE Select); coding-DNA position 289, A replaced by G.
Protein change: p.Ile97Val; replaces isoleucine 97 with valine.
Molecular consequence: missense variant.
Genome position (GRCh38, 1-based): chr7:141,601,272, A>G. VCF-style: chr7-141601272-A-G. GRCh37 (hg19) VCF-style: chr7-141301072-A-G.
Other names: c.289A>G, p.Ile97Val (NM_001364948.3); short protein forms I97V.
Identifiers: ClinVar variation 2044310 (VCV002044310.2), dbSNP rs766719681, ClinGen allele CA4517375.